The following is an entry in ClinVar:

NM_020822.3(KCNT1):c.1729G>A (p.Gly577Ser)

Gene: KCNT1 (potassium sodium-activated channel subfamily T member 1; plus strand). Cytogenetic location: 9q34.3.
Variant type: single nucleotide variant.
Coding change: c.1729G>A on transcript NM_020822.3 (MANE Select); coding-DNA position 1729, G replaced by A.
Protein change: p.Gly577Ser; replaces glycine 577 with serine.
Molecular consequence: missense variant.
Genome position (GRCh38, 1-based): chr9:135,770,407, G>A. VCF-style: chr9-135770407-G-A. GRCh37 (hg19) VCF-style: chr9-138662253-G-A.
Other names: c.1594G>A, p.Gly532Ser (NM_001272003.2); short protein forms G532S, G577S.
Identifiers: ClinVar variation 1176914 (VCV001176914.40), dbSNP rs1220099278, ClinGen allele CA375506721.

ClinVar aggregate classification (germline): Uncertain significance. Review status: criteria provided, multiple submitters, no conflicts (2 of 4 stars). 2 submissions from 2 submitters: Uncertain significance (2). Last evaluated 2022-03-28.

Conditions:
Developmental and epileptic encephalopathy, 14 (DEE14). Also called: Early infantile epileptic encephalopathy 14. Identifiers: Orphanet 293181, MedGen C3554195, MONDO:0013989, OMIM 614959.
Autosomal dominant nocturnal frontal lobe epilepsy 5. Also called: KCNT1-Related Epilepsy; Epilepsy, nocturnal frontal lobe, 5; CILIARY DYSKINESIA, PRIMARY, 28, WITHOUT SITUS INVERSUS; CILIARY DYSKINESIA, PRIMARY, 28, WITH SITUS INVERSUS. Identifiers: Orphanet 98784, MedGen C3554306, MONDO:0014002, OMIM 615005.

Allele frequency attached by ClinVar (database versions not stated): gnomAD exomes below 0.00001; TOPMed below 0.00001; gnomAD 0.00001.

Submissions (2):

Labcorp Genetics (formerly Invitae), Labcorp
Classification: Uncertain significance for Autosomal dominant nocturnal frontal lobe epilepsy 5; Developmental and epileptic encephalopathy, 14. Last evaluated: 2022-03-28. Review status: criteria provided, single submitter. Criteria: Invitae Variant Classification Sherloc (09022015). Collection method: clinical testing. Allele origin: germline.
Comment: In summary, the available evidence is currently insufficient to determine the role of this variant in disease. Therefore, it has been classified as a Variant of Uncertain Significance. Advanced modeling of protein sequence and biophysical properties (such as structural, functional, and spatial information, amino acid conservation, physicochemical variation, residue mobility, and thermodynamic stability) performed at Invitae indicates that this missense variant is expected to disrupt KCNT1 protein function. ClinVar contains an entry for this variant (Variation ID: 1176914). This variant has not been reported in the literature in individuals affected with KCNT1-related conditions. This variant is present in population databases (no rsID available, gnomAD 0.0009%). This sequence change replaces glycine, which is neutral and non-polar, with serine, which is neutral and polar, at codon 577 of the KCNT1 protein (p.Gly577Ser).

CeGaT Center for Human Genetics Tuebingen
Classification: Uncertain significance. Last evaluated: 2021-04-01. Review status: criteria provided, single submitter. Criteria: CeGaT Center For Human Genetics Tuebingen Variant Classification Criteria Version 2. Collection method: clinical testing. Allele origin: germline. Affected: yes. Observed: 1 variant allele.